The following is an entry in ClinVar:

ClinVar aggregate classification (germline): Uncertain significance (1 of 4 stars; one submission).

Conditions:
Age related macular degeneration 4. Identifiers: MedGen C1853147, MONDO:0012540, OMIM 610698.

gnomAD v4.1: 8 of 1,612,710 alleles (0.0005%); highest among the groups gnomAD compares: Non-Finnish European, 0.00068%; no homozygotes.

Submission:

Genomenon, Inc
Classification: Uncertain significance for Age related macular degeneration 4. Last evaluated: 2025-10-02. Review status: criteria provided, single submitter. Criteria: Genomenon Sequence Variant Interpretation Standards - Updated. Collection method: curation. Allele origin: germline. Affected: yes.
Comment: CFH p.Gly486Arg (c.1456G>C) is a missense variant that changes the amino acid at residue 486 from Glycine to Arginine. This variant has been observed in at least one proband affected with age-related macular degeneration (PMID:18421087). It is absent or not present at a significant frequency in gnomAD. In conclusion, we classify CFH p.Gly486Arg (c.1456G>C) as a variant of uncertain significance.

Literature cited by the submitters: PubMed 18421087.

NM_000186.4(CFH):c.1456G>C (p.Gly486Arg)

Gene: CFH (complement factor H; plus strand). Cytogenetic location: 1q31.3.
Variant type: single nucleotide variant.
Coding change: c.1456G>C on transcript NM_000186.4 (MANE Select); coding-DNA position 1456, G replaced by C.
Protein change: p.Gly486Arg; replaces glycine 486 with arginine.
Molecular consequence: missense variant.
Genome position (GRCh38, 1-based): chr1:196,713,854, G>C. VCF-style: chr1-196713854-G-C. GRCh37 (hg19) VCF-style: chr1-196682984-G-C.
Other names: short protein forms G486R.
Identifiers: ClinVar variation 4291394 (VCV004291394.1).